The following is an entry in ClinVar:

NM_012268.4(PLD3):c.895_896del (p.Leu299fs)

Gene: PLD3 (phospholipase D family member 3; plus strand). Cytogenetic location: 19q13.2.
Variant type: Deletion.
Coding change: c.895_896del on transcript NM_012268.4 (MANE Select); coding-DNA positions 895 to 896, 2 bases deleted (CT; older notation c.895_896delCT).
Protein change: p.Leu299fs; shifts the reading frame from leucine 299.
Molecular consequence: frameshift variant.
Genome position (GRCh38, 1-based): chr19:40,374,496-40,374,497, CT deleted. VCF-style (leftmost placement, unchanged base first): chr19-40374495-CCT-C. GRCh37 (hg19) VCF-style: chr19-40880402-CCT-C.
Other names: c.895_896del, p.Leu299fs (NM_001031696.4, NM_001291311.2); short protein forms L299fs.
Identifiers: ClinVar variation 4699237 (VCV004699237.1).

ClinVar aggregate classification (germline): Uncertain significance (1 of 4 stars; one submission).

Submission:

Labcorp Genetics (formerly Invitae), Labcorp
Classification: Uncertain significance. Last evaluated: 2025-03-19. Review status: criteria provided, single submitter. Criteria: Invitae Variant Classification Sherloc (09022015). Collection method: clinical testing. Allele origin: germline.
Comment: This sequence change creates a premature translational stop signal (p.Leu299Valfs*47) in the PLD3 gene. It is expected to result in an absent or disrupted protein product. However, the current clinical and genetic evidence is not sufficient to establish whether loss-of-function variants in PLD3 cause disease. This variant is not present in population databases (gnomAD no frequency). This variant has not been reported in the literature in individuals affected with PLD3-related conditions. In summary, the available evidence is currently insufficient to determine the role of this variant in disease. Therefore, it has been classified as a Variant of Uncertain Significance.